The following is an entry in ClinVar:

NM_004333.6(BRAF):c.1219C>A (p.Pro407Thr)

Gene: BRAF (B-Raf proto-oncogene, serine/threonine kinase; minus strand). Cytogenetic location: 7q34.
Variant type: single nucleotide variant.
Coding change: c.1219C>A on transcript NM_004333.6 (MANE Select); coding-DNA position 1219, C replaced by A.
Protein change: p.Pro407Thr; replaces proline 407 with threonine.
Molecular consequence: missense variant. On other transcripts: intron variant (2).
Genome position (GRCh38, 1-based): chr7:140,783,116, G>T on the plus strand (C>A on the coding strand, the complement: BRAF is on the minus strand). VCF-style: chr7-140783116-G-T. GRCh37 (hg19) VCF-style: chr7-140482916-G-T.
Other names: c.1219C>A, p.Pro407Thr (NM_001354609.2, NM_001378468.1, NM_001378474.1); c.1339C>A, p.Pro447Thr (NM_001374244.1, NM_001374258.1); c.1228C>A, p.Pro410Thr (NM_001378467.1); c.1117C>A, p.Pro373Thr (NM_001378470.1); c.1063C>A, p.Pro355Thr (NM_001378472.1, NM_001378473.1); c.955C>A, p.Pro319Thr (NM_001378475.1); c.1141-33C>A (NM_001378471.1); c.1178-25C>A (NM_001378469.1); short protein forms P319T, P373T, P355T, P447T, P407T, P410T.
Identifiers: ClinVar variation 1913554 (VCV001913554.6), dbSNP rs1022449496, ClinGen allele CA168091720.

ClinVar aggregate classification (germline): Uncertain significance. Review status: criteria provided, multiple submitters, no conflicts (2 of 4 stars). 2 submissions from 2 submitters: Uncertain significance (2). Last evaluated 2024-04-10.

Conditions:
Cardiovascular phenotype. Identifiers: MedGen CN230736.
RASopathy. Also called: Noonan spectrum disorder; rasopathies. Identifiers: Orphanet 536391, MedGen C5555857, MONDO:0021060.

Allele frequency attached by ClinVar (database versions not stated): TOPMed below 0.00001; gnomAD exomes below 0.00001.
gnomAD v4.1: 2 of 1,613,938 alleles (0.00012%); highest among the groups gnomAD compares: Admixed American, 0.0017%; no homozygotes.

Submissions (2):

Labcorp Genetics (formerly Invitae), Labcorp
Classification: Uncertain significance for RASopathy. Last evaluated: 2024-04-10. Review status: criteria provided, single submitter. Criteria: Invitae Variant Classification Sherloc (09022015). Collection method: clinical testing. Allele origin: germline.
Comment: This sequence change replaces proline, which is neutral and non-polar, with threonine, which is neutral and polar, at codon 407 of the BRAF protein (p.Pro407Thr). This variant is not present in population databases (gnomAD no frequency). This variant has not been reported in the literature in individuals affected with BRAF-related conditions. ClinVar contains an entry for this variant (Variation ID: 1913554). Advanced modeling of protein sequence and biophysical properties (such as structural, functional, and spatial information, amino acid conservation, physicochemical variation, residue mobility, and thermodynamic stability) performed at Invitae indicates that this missense variant is not expected to disrupt BRAF protein function with a negative predictive value of 80%. In summary, the available evidence is currently insufficient to determine the role of this variant in disease. Therefore, it has been classified as a Variant of Uncertain Significance.

Ambry Genetics
Classification: Uncertain significance for Cardiovascular phenotype. Last evaluated: 2024-03-20. Review status: criteria provided, single submitter. Criteria: Ambry Variant Classification Scheme 2023. Collection method: clinical testing. Allele origin: germline.
Comment: The p.P407T variant (also known as c.1219C>A), located in coding exon 10 of the BRAF gene, results from a C to A substitution at nucleotide position 1219. The proline at codon 407 is replaced by threonine, an amino acid with highly similar properties. This amino acid position is conserved. In addition, the in silico prediction for this alteration is inconclusive. Based on the available evidence, the clinical significance of this alteration remains unclear.